The following is an entry in ClinVar:

ClinVar aggregate classification (germline): Uncertain significance. Review status: criteria provided, multiple submitters, no conflicts (2 of 4 stars). 2 submissions from 2 submitters: Uncertain significance (2). Last evaluated 2023-04-15.

Conditions:
Cognitive impairment - coarse facies - heart defects - obesity - pulmonary involvement - short stature - skeletal dysplasia syndrome. Also called: COGNITIVE IMPAIRMENT, COARSE FACIES, HEART DEFECTS, OBESITY, PULMONARY INVOLVEMENT, SHORT STATURE, AND SKELETAL DYSPLASIA; Chops syndrome; AFF4-Related CHOPS Syndrome. Identifiers: Orphanet 444077, MedGen C4085597, MONDO:0014609, OMIM 616368.

Submissions (2):

Labcorp Genetics (formerly Invitae), Labcorp
Classification: Uncertain significance for Cognitive impairment - coarse facies - heart defects - obesity - pulmonary involvement - short stature - skeletal dysplasia syndrome. Last evaluated: 2023-04-15. Review status: criteria provided, single submitter. Criteria: Invitae Variant Classification Sherloc (09022015). Collection method: clinical testing. Allele origin: germline.
Comment: This sequence change replaces serine, which is neutral and polar, with proline, which is neutral and non-polar, at codon 49 of the AFF4 protein (p.Ser49Pro). This variant is not present in population databases (gnomAD no frequency). This variant has not been reported in the literature in individuals affected with AFF4-related conditions. Advanced modeling of protein sequence and biophysical properties (such as structural, functional, and spatial information, amino acid conservation, physicochemical variation, residue mobility, and thermodynamic stability) performed at Invitae indicates that this missense variant is expected to disrupt AFF4 protein function. In summary, the available evidence is currently insufficient to determine the role of this variant in disease. Therefore, it has been classified as a Variant of Uncertain Significance.

CeGaT Center for Human Genetics Tuebingen
Classification: Uncertain significance. Last evaluated: 2023-01-01. Review status: criteria provided, single submitter. Criteria: CeGaT Center For Human Genetics Tuebingen Variant Classification Criteria Version 2. Collection method: clinical testing. Allele origin: germline. Affected: yes. Observed: 1 variant allele.
Comment: AFF4: PM2

NM_014423.4(AFF4):c.145T>C (p.Ser49Pro)

Gene: AFF4 (ALF transcription elongation factor 4; minus strand). Cytogenetic location: 5q31.1.
Variant type: single nucleotide variant.
Coding change: c.145T>C on transcript NM_014423.4 (MANE Select); coding-DNA position 145, T replaced by C.
Protein change: p.Ser49Pro; replaces serine 49 with proline.
Molecular consequence: missense variant.
Genome position (GRCh38, 1-based): chr5:132,934,920, A>G on the plus strand (T>C on the coding strand, the complement: AFF4 is on the minus strand). VCF-style: chr5-132934920-A-G. GRCh37 (hg19) VCF-style: chr5-132270612-A-G.
Other names: short protein forms S49P.
Identifiers: ClinVar variation 2655702 (VCV002655702.27), dbSNP rs2532577678, ClinGen allele CA360962937.